The following is an entry in ClinVar:

NM_024312.5(GNPTAB):c.1626A>G (p.Glu542=)

Gene: GNPTAB (N-acetylglucosamine-1-phosphate transferase subunits alpha and beta; minus strand). Cytogenetic location: 12q23.2.
Variant type: single nucleotide variant.
Coding change: c.1626A>G on transcript NM_024312.5 (MANE Select); coding-DNA position 1626, A replaced by G.
Protein change: p.Glu542=; no amino-acid change (glutamic acid 542 retained).
Molecular consequence: synonymous variant.
Genome position (GRCh38, 1-based): chr12:101,765,291, T>C on the plus strand (A>G on the coding strand, the complement: GNPTAB is on the minus strand). VCF-style: chr12-101765291-T-C. GRCh37 (hg19) VCF-style: chr12-102159069-T-C.
Identifiers: ClinVar variation 306809 (VCV000306809.22), dbSNP rs61745799, ClinGen allele CA6746555.
Genomic context (GRCh38, chr12:101,765,291, plus strand): 5'-GCATTCACCTTTTGGAATAATATAGTGAGTCTGGTTTGGGAGAAGGATCACTTTATACAA[T>C]TCATGAAAATGATCTAGAGGAAAAAACAGAAACATGATTTTTTTTTTAACTGGGCATTTT-3'
Protein context (NP_077288.2, residues 532-552): AGDCGQDHFH[Glu542=]LYKVILLPNQ

ClinVar aggregate classification (germline): Benign/Likely benign. Review status: criteria provided, multiple submitters, no conflicts (2 of 4 stars). 7 submissions from 6 submitters: Benign (1); Likely benign (4). 2 of the submissions do not count toward it. Last evaluated 2026-05-01.

Conditions:
Mucolipidosis type II. Also called: ML II ALPHA/BETA; Mucolipidosis 2; ML 2; Inclusion cell disease; Leroy Disease; N-acetylglucosamine 1phosphotransferase deficiency. Identifiers: Orphanet 576, MedGen C2673377, MONDO:0009650, OMIM 252500.
GNPTAB-Related Disorders. Also called: GNPTAB-related disorder; GNPTAB-related condition. Identifiers: MedGen CN381523.
Pseudo-Hurler polydystrophy. Also called: ML III; ML III ALPHA/BETA; MUCOLIPIDOSIS IIIA; ML IIIA; Mucolipidosis III Alpha/Beta; Type III Mucolipidosis. Identifiers: Orphanet 423461, Orphanet 577, MedGen C0033788, MONDO:0018931, OMIM 252600.

Allele frequency attached by ClinVar (database versions not stated): ESP Exome Variant Server 0.00554; gnomAD exomes 0.00097; ExAC 0.00126; 1000 Genomes Project 0.00180; 1000 Genomes Project 30x 0.00234; gnomAD 0.00400 and 0.00448; TOPMed 0.00459.
gnomAD v4.1: 1,251 of 1,607,726 alleles (0.078%); highest among the groups gnomAD compares: African/African-American, 1.5%; 12 homozygotes.

Submissions (7):

CeGaT Center for Human Genetics Tuebingen
Classification: Likely benign. Last evaluated: 2026-05-01. Review status: criteria provided, single submitter. Criteria: CeGaT Center For Human Genetics Tuebingen Variant Classification Criteria Version 2. Collection method: clinical testing. Allele origin: germline. Affected: yes. Observed: 2 variant alleles.
Comment: GNPTAB: BP4, BP7, BS1

Labcorp Genetics (formerly Invitae), Labcorp
Classification: Benign for Pseudo-Hurler polydystrophy; Mucolipidosis type II. Last evaluated: 2026-01-28. Review status: criteria provided, single submitter. Criteria: Invitae Variant Classification Sherloc (09022015). Collection method: clinical testing. Allele origin: germline.

Blueprint Genetics
Classification: Likely benign. Last evaluated: 2024-11-25. Review status: criteria provided, single submitter. Criteria: ACMG Guidelines, 2015. Collection method: clinical testing. Allele origin: germline.

Illumina Laboratory Services, Illumina
Classification: Likely benign for Mucolipidosis type II. Last evaluated: 2018-01-13. Review status: criteria provided, single submitter. Criteria: ICSL Variant Classification Criteria 13 December 2019. Collection method: clinical testing. Allele origin: germline.
Comment: This variant was observed in the ICSL laboratory as part of a predisposition screen in an ostensibly healthy population. It had not been previously curated by ICSL or reported in the Human Gene Mutation Database (HGMD: prior to June 1st, 2018), and was therefore a candidate for classification through an automated scoring system. Utilizing variant allele frequency, disease prevalence and penetrance estimates, and inheritance mode, an automated score was calculated to assess if this variant is too frequent to cause the disease. Based on the score and internal cut-off values, a variant classified as likely benign is not then subjected to further curation. The score for this variant resulted in a classification of likely benign for this disease.

Illumina Laboratory Services, Illumina
Classification: Likely benign for Pseudo-Hurler polydystrophy. Last evaluated: 2018-01-13. Review status: criteria provided, single submitter. Criteria: ICSL Variant Classification Criteria 13 December 2019. Collection method: clinical testing. Allele origin: germline.
Comment: the same text as in the submission from Illumina Laboratory Services, Illumina above.

PreventionGenetics, part of Exact Sciences
Classification: Benign for GNPTAB-related condition. Last evaluated: 2021-03-08. Review status: no assertion criteria provided. Collection method: clinical testing. Allele origin: germline. Not counted in ClinVar's aggregate classification.
Comment: This variant is classified as benign based on ACMG/AMP sequence variant interpretation guidelines (Richards et al. 2015 PMID: 25741868, with internal and published modifications).

Natera, Inc.
Classification: Benign for Mucolipidosis type II. Last evaluated: 2020-09-16. Review status: no assertion criteria provided. Collection method: clinical testing. Allele origin: germline. Not counted in ClinVar's aggregate classification.